The following is an entry in ClinVar:

ClinVar aggregate classification (germline): Uncertain significance (1 of 4 stars; one submission).

Submission:

Labcorp Genetics (formerly Invitae), Labcorp
Classification: Uncertain significance. Last evaluated: 2025-02-16. Review status: criteria provided, single submitter. Criteria: Invitae Variant Classification Sherloc (09022015). Collection method: clinical testing. Allele origin: germline.
Comment: This sequence change replaces methionine, which is neutral and non-polar, with isoleucine, which is neutral and non-polar, at codon 101 of the JAK1 protein (p.Met101Ile). This variant is not present in population databases (gnomAD no frequency). This variant has not been reported in the literature in individuals affected with JAK1-related conditions. Invitae Evidence Modeling of protein sequence and biophysical properties (such as structural, functional, and spatial information, amino acid conservation, physicochemical variation, residue mobility, and thermodynamic stability) indicates that this missense variant is not expected to disrupt JAK1 protein function with a negative predictive value of 80%. In summary, the available evidence is currently insufficient to determine the role of this variant in disease. Therefore, it has been classified as a Variant of Uncertain Significance.

NM_002227.4(JAK1):c.303G>A (p.Met101Ile)

Gene: JAK1 (Janus kinase 1; minus strand). Cytogenetic location: 1p31.3.
Variant type: single nucleotide variant.
Coding change: c.303G>A on transcript NM_002227.4 (MANE Select); coding-DNA position 303, G replaced by A.
Protein change: p.Met101Ile; replaces methionine 101 with isoleucine.
Molecular consequence: missense variant.
Genome position (GRCh38, 1-based): chr1:64,879,051, C>T on the plus strand (G>A on the coding strand, the complement: JAK1 is on the minus strand). VCF-style: chr1-64879051-C-T. GRCh37 (hg19) VCF-style: chr1-65344734-C-T.
Other names: c.303G>A, p.Met101Ile (NM_001320923.2, NM_001321852.2, NM_001321853.2 and 4 more transcripts); short protein forms M101I.
Identifiers: ClinVar variation 4781095 (VCV004781095.1).